The following is an entry in ClinVar:

NM_000135.4(FANCA):c.3865G>C (p.Ala1289Pro)

Genes: FANCA (FA complementation group A; minus strand), ZNF276 (zinc finger protein 276; plus strand). Cytogenetic location: 16q24.3.
Variant type: single nucleotide variant.
Coding change: c.3865G>C on transcript NM_000135.4 (MANE Select); coding-DNA position 3865, G replaced by C.
Protein change: p.Ala1289Pro; replaces alanine 1289 with proline.
Molecular consequence: missense variant. On other transcripts: 3 prime UTR variant (2), non-coding transcript variant (4).
Genome position (GRCh38, 1-based): chr16:89,740,063, C>G on the plus strand (G>C on the coding strand, the complement: FANCA is on the minus strand). VCF-style: chr16-89740063-C-G. GRCh37 (hg19) VCF-style: chr16-89806471-C-G.
Other names: c.3865G>C, p.Ala1289Pro (NM_001286167.3); c.*1817C>G (NM_001113525.2, NM_152287.4); short protein forms A1289P.
Identifiers: ClinVar variation 1371409 (VCV001371409.5), dbSNP rs2151714785, ClinGen allele CA397485043.

ClinVar aggregate classification (germline): Uncertain significance. Review status: criteria provided, multiple submitters, no conflicts (2 of 4 stars). 2 submissions from 2 submitters: Uncertain significance (2). Last evaluated 2025-05-09.

Conditions:
Inborn genetic diseases. Identifiers: MedGen C0950123, MeSH D030342.
Fanconi anemia (FA). Also called: Fanconi's anemia. Identifiers: Orphanet 84, MedGen C0015625, MeSH D005199, MONDO:0019391.

Submissions (2):

Ambry Genetics
Classification: Uncertain significance for Inborn genetic diseases. Last evaluated: 2025-05-09. Review status: criteria provided, single submitter. Criteria: Ambry Variant Classification Scheme 2023. Collection method: clinical testing. Allele origin: germline.
Comment: The p.A1289P variant (also known as c.3865G>C), located in coding exon 39 of the FANCA gene, results from a G to C substitution at nucleotide position 3865. The alanine at codon 1289 is replaced by proline, an amino acid with highly similar properties. This amino acid position is conserved. In addition, the in silico prediction for this alteration is inconclusive. Based on the available evidence, the clinical significance of this variant remains unclear.

Labcorp Genetics (formerly Invitae), Labcorp
Classification: Uncertain significance for Fanconi anemia. Last evaluated: 2021-07-31. Review status: criteria provided, single submitter. Criteria: Invitae Variant Classification Sherloc (09022015). Collection method: clinical testing. Allele origin: germline.
Comment: This variant is not present in population databases (ExAC no frequency). In summary, the available evidence is currently insufficient to determine the role of this variant in disease. Therefore, it has been classified as a Variant of Uncertain Significance. Algorithms developed to predict the effect of missense changes on protein structure and function are either unavailable or do not agree on the potential impact of this missense change (SIFT: "Tolerated"; PolyPhen-2: "Possibly Damaging"; Align-GVGD: "Class C0"). This variant has not been reported in the literature in individuals affected with FANCA-related conditions. This sequence change replaces alanine with proline at codon 1289 of the FANCA protein (p.Ala1289Pro). The alanine residue is moderately conserved and there is a small physicochemical difference between alanine and proline.